The following is an entry in ClinVar:

NM_000289.6(PFKM):c.453G>A (p.Thr151=)

Gene: PFKM (phosphofructokinase, muscle; plus strand). Cytogenetic location: 12q13.11.
Variant type: single nucleotide variant.
Coding change: c.453G>A on transcript NM_000289.6 (MANE Select); coding-DNA position 453, G replaced by A.
Protein change: p.Thr151=; no amino-acid change (threonine 151 retained).
Molecular consequence: synonymous variant. On other transcripts: non-coding transcript variant (6).
Genome position (GRCh38, 1-based): chr12:48,133,340, G>A. VCF-style: chr12-48133340-G-A. GRCh37 (hg19) VCF-style: chr12-48527123-G-A.
Other names: p.Thr151=; c.666G>A, p.Thr222= (NM_001166686.2, NM_001354737.1, NM_001354738.1 and 1 more transcripts); c.453G>A, p.Thr151= (NM_001166687.2, NM_001166688.2, NM_001354742.2 and 4 more transcripts); c.762G>A, p.Thr254= (NM_001354735.1, NM_001354736.1); c.597G>A, p.Thr199= (NM_001354740.1); c.477G>A, p.Thr159= (NM_001354741.2); c.366G>A, p.Thr122= (NM_001354745.2); c.303G>A, p.Thr101= (NM_001354747.2, NM_001354748.2).
Identifiers: ClinVar variation 308949 (VCV000308949.21), dbSNP rs144370737, ClinGen allele CA6537002.

ClinVar aggregate classification (germline): Conflicting classifications of pathogenicity. Review status: criteria provided, conflicting classifications (1 of 4 stars). 6 submissions from 6 submitters: Uncertain significance (1); Benign (1); Likely benign (3). 1 of the submissions does not count toward it. Last evaluated 2026-01-31.

Conditions:
Glycogen storage disease, type VII (GSD7). Also called: GSD VII; MUSCLE PHOSPHOFRUCTOKINASE DEFICIENCY; PFKM DEFICIENCY; TARUI DISEASE. Identifiers: Orphanet 371, MedGen C0017926, MONDO:0009295, OMIM 232800.

Allele frequency attached by ClinVar (database versions not stated): gnomAD exomes 0.00005 and 0.00019; ExAC 0.00022; ESP Exome Variant Server 0.00054; TOPMed 0.00068; gnomAD 0.00071 and 0.00074; 1000 Genomes Project 0.00080; 1000 Genomes Project 30x 0.00094.
gnomAD v4.1: 196 of 1,614,068 alleles (0.012%); highest among the groups gnomAD compares: African/African-American, 0.22%; no homozygotes.

Submissions (6):

Labcorp Genetics (formerly Invitae), Labcorp
Classification: Benign for Glycogen storage disease, type VII. Last evaluated: 2026-01-31. Review status: criteria provided, single submitter. Criteria: Invitae Variant Classification Sherloc (09022015). Collection method: clinical testing. Allele origin: germline.

Mayo Clinic Laboratories, Mayo Clinic
Classification: Likely benign. Last evaluated: 2025-06-10. Review status: criteria provided, single submitter. Criteria: ACMG Guidelines, 2015. Collection method: clinical testing. Allele origin: germline. Observed: 4 variant alleles.
Comment: BP4, BP7

Genome-Nilou Lab
Classification: Likely benign for Glycogen storage disease, type VII. Last evaluated: 2021-05-18. Review status: criteria provided, single submitter. Criteria: ACMG Guidelines, 2015. Collection method: clinical testing. Allele origin: germline. Affected: no.

Illumina Laboratory Services, Illumina
Classification: Uncertain significance for Glycogen storage disease, type VII. Last evaluated: 2018-01-13. Review status: criteria provided, single submitter. Criteria: ICSL Variant Classification Criteria 13 December 2019. Collection method: clinical testing. Allele origin: germline.

GeneDx
Classification: Likely benign. Last evaluated: 2016-05-03. Review status: criteria provided, single submitter. Criteria: GeneDx Variant Classification (06012015). Collection method: clinical testing. Allele origin: germline. Affected: yes.
Comment: This variant is considered likely benign or benign based on one or more of the following criteria: it is a conservative change, it occurs at a poorly conserved position in the protein, it is predicted to be benign by multiple in silico algorithms, and/or has population frequency not consistent with disease.

Natera, Inc.
Classification: Likely benign for Glycogen storage disease type VII. Last evaluated: 2020-01-11. Review status: no assertion criteria provided. Collection method: clinical testing. Allele origin: germline. Not counted in ClinVar's aggregate classification.